The following is an entry in ClinVar:

ClinVar aggregate classification (germline): Uncertain significance. Review status: criteria provided, multiple submitters, no conflicts (2 of 4 stars). 2 submissions from 2 submitters: Uncertain significance (2). Last evaluated 2025-02-08.

Conditions:
Candidiasis, familial, 9 (CANDF9). Identifiers: Orphanet 1334, MedGen C4225324, MONDO:0014642, OMIM 616445.

Allele frequency attached by ClinVar (database versions not stated): gnomAD 0.00003; TOPMed 0.00003.

Submissions (2):

Ambry Genetics
Classification: Uncertain significance. Last evaluated: 2025-02-08. Review status: criteria provided, single submitter. Criteria: Ambry Variant Classification Scheme 2023. Collection method: clinical testing. Allele origin: germline.

Labcorp Genetics (formerly Invitae), Labcorp
Classification: Uncertain significance for Candidiasis, familial, 9. Last evaluated: 2024-04-09. Review status: criteria provided, single submitter. Criteria: Invitae Variant Classification Sherloc (09022015). Collection method: clinical testing. Allele origin: germline.
Comment: This sequence change replaces glycine, which is neutral and non-polar, with glutamic acid, which is acidic and polar, at codon 667 of the IL17RC protein (p.Gly667Glu). This variant is present in population databases (no rsID available, gnomAD 0.02%). This variant has not been reported in the literature in individuals affected with IL17RC-related conditions. ClinVar contains an entry for this variant (Variation ID: 1983863). Algorithms developed to predict the effect of missense changes on protein structure and function output the following: SIFT: "Not Available"; PolyPhen-2: "Benign"; Align-GVGD: "Not Available". The glutamic acid amino acid residue is found in multiple mammalian species, which suggests that this missense change does not adversely affect protein function. In summary, the available evidence is currently insufficient to determine the role of this variant in disease. Therefore, it has been classified as a Variant of Uncertain Significance.

NM_153460.4(IL17RC):c.1787G>A (p.Gly596Glu)

Gene: IL17RC (interleukin 17 receptor C; plus strand). Cytogenetic location: 3p25.3.
Variant type: single nucleotide variant.
Coding change: c.1787G>A on transcript NM_153460.4 (MANE Select); coding-DNA position 1787, G replaced by A.
Protein change: p.Gly596Glu; replaces glycine 596 with glutamic acid.
Molecular consequence: missense variant. On other transcripts: non-coding transcript variant (1).
Genome position (GRCh38, 1-based): chr3:9,933,217, G>A. VCF-style: chr3-9933217-G-A. GRCh37 (hg19) VCF-style: chr3-9974901-G-A.
Other names: c.1748G>A, p.Gly583Glu (NM_001203263.2); c.1697G>A, p.Gly566Glu (NM_001203264.2); c.1691G>A, p.Gly564Glu (NM_001203265.2); c.1709G>A, p.Gly570Glu (NM_001367278.1); c.1628G>A, p.Gly543Glu (NM_001367279.1); c.1703G>A, p.Gly568Glu (NM_001367280.1); c.1652G>A, p.Gly551Glu (NM_001410711.1); c.1742G>A, p.Gly581Glu (NM_032732.6); and 2 more; short protein forms G543E, G551E, G581E, G566E, G568E, G583E, G570E, G596E.
Identifiers: ClinVar variation 1983863 (VCV001983863.5), dbSNP rs1476377284, ClinGen allele CA351707316.